The following is an entry in ClinVar:

ClinVar aggregate classification (germline): Conflicting classifications of pathogenicity. Review status: criteria provided, conflicting classifications (1 of 4 stars). 3 submissions from 3 submitters: Likely pathogenic (1); Uncertain significance (2). Last evaluated 2021-04-02.

Conditions:
Early-infantile DEE. Also called: Early infantile epileptic encephalopathy with suppression bursts; Early infantile epileptic encephalopathy; Ohtahara syndrome. Identifiers: Orphanet 1934, MedGen C0393706, MONDO:0800491.

Submissions (3):

GeneDx
Classification: Uncertain significance. Last evaluated: 2021-04-02. Review status: criteria provided, single submitter. Criteria: GeneDx Variant Classification Process June 2021. Collection method: clinical testing. Allele origin: germline. Affected: yes.
Comment: Not observed in large population cohorts (Lek et al., 2016); Missense variants in this gene are often considered pathogenic (Stenson et al., 2014); In silico analysis supports that this missense variant has a deleterious effect on protein structure/function; This substitution is predicted to be within the cytoplasmic loop between the second and third homologous domains; This variant is associated with the following publications: (PMID: 32741404)

Labcorp Genetics (formerly Invitae), Labcorp
Classification: Uncertain significance for Early-infantile DEE. Last evaluated: 2020-06-21. Review status: criteria provided, single submitter. Criteria: Invitae Variant Classification Sherloc (09022015). Collection method: clinical testing. Allele origin: germline.
Comment: This variant has been observed in one or more individuals who were not affected with seizures or other neurological conditions (Invitae). ClinVar contains an entry for this variant (Variation ID: 808860). In summary, the available evidence is currently insufficient to determine the role of this variant in disease. Therefore, it has been classified as a Variant of Uncertain Significance. Algorithms developed to predict the effect of missense changes on protein structure and function (SIFT, PolyPhen-2, Align-GVGD) all suggest that this variant is likely to be disruptive, but these predictions have not been confirmed by published functional studies and their clinical significance is uncertain. This variant is not present in population databases (ExAC no frequency). This sequence change replaces cysteine with tyrosine at codon 1211 of the SCN1A protein (p.Cys1211Tyr). The cysteine residue is highly conserved and there is a large physicochemical difference between cysteine and tyrosine.

CeGaT Center for Human Genetics Tuebingen
Classification: Likely pathogenic. Last evaluated: 2016-11-01. Review status: criteria provided, single submitter. Criteria: CeGaT Center For Human Genetics Tuebingen Variant Classification Criteria Version 2. Collection method: clinical testing. Allele origin: germline. Affected: yes. Observed: 1 variant allele.

NM_001165963.4(SCN1A):c.3632G>A (p.Cys1211Tyr)

Genes: SCN1A (sodium voltage-gated channel alpha subunit 1; minus strand), LOC102724058 (uncharacterized LOC102724058; plus strand). Cytogenetic location: 2q24.3.
Variant type: single nucleotide variant.
Coding change: c.3632G>A on transcript NM_001165963.4 (MANE Select); coding-DNA position 3632, G replaced by A.
Protein change: p.Cys1211Tyr; replaces cysteine 1211 with tyrosine.
Molecular consequence: missense variant. On other transcripts: non-coding transcript variant (1).
Genome position (GRCh38, 1-based): chr2:166,013,817, C>T on the plus strand (G>A on the coding strand, the complement: SCN1A is on the minus strand). VCF-style: chr2-166013817-C-T. GRCh37 (hg19) VCF-style: chr2-166870327-C-T.
Other names: c.3548G>A, p.Cys1183Tyr (NM_001165964.3, NM_001353957.2, NM_001353958.2); c.3632G>A, p.Cys1211Tyr (NM_001202435.3, NM_001353948.2); c.3599G>A, p.Cys1200Tyr (NM_001353949.2, NM_001353950.2, NM_001353951.2 and 2 more transcripts); c.3596G>A, p.Cys1199Tyr (NM_001353954.2, NM_001353955.2); c.3545G>A, p.Cys1182Tyr (NM_001353960.2); c.1190G>A, p.Cys397Tyr (NM_001353961.2); short protein forms C1200Y, C397Y, C1182Y, C1183Y, C1199Y, C1211Y.
Identifiers: ClinVar variation 808860 (VCV000808860.53), dbSNP rs1574060743, ClinGen allele CA349056076.